The following is an entry in ClinVar:

NM_152618.3(BBS12):c.1085A>G (p.Asp362Gly)

Gene: BBS12 (Bardet-Biedl syndrome 12; plus strand). Cytogenetic location: 4q27.
Variant type: single nucleotide variant.
Coding change: c.1085A>G on transcript NM_152618.3 (MANE Select); coding-DNA position 1085, A replaced by G.
Protein change: p.Asp362Gly; replaces aspartic acid 362 with glycine.
Molecular consequence: missense variant.
Genome position (GRCh38, 1-based): chr4:122,742,977, A>G. VCF-style: chr4-122742977-A-G. GRCh37 (hg19) VCF-style: chr4-123664132-A-G.
Other names: c.1085A>G, p.Asp362Gly (NM_001178007.2); short protein forms D362G.
Identifiers: ClinVar variation 1408962 (VCV001408962.5), dbSNP rs1800908966, ClinGen allele CA358224362.

ClinVar aggregate classification (germline): Uncertain significance (1 of 4 stars; one submission).

Conditions:
Bardet-Biedl syndrome (BBS). Identifiers: Orphanet 110, MedGen C0752166, MONDO:0015229.

Allele frequency attached by ClinVar (database versions not stated): gnomAD exomes below 0.00001; gnomAD 0.00001.
gnomAD v4.1: 2 of 1,614,048 alleles (0.00012%); highest among the groups gnomAD compares: African/African-American, 0.0027%; no homozygotes.

Submission:

Labcorp Genetics (formerly Invitae), Labcorp
Classification: Uncertain significance for Bardet-Biedl syndrome. Last evaluated: 2021-09-24. Review status: criteria provided, single submitter. Criteria: Invitae Variant Classification Sherloc (09022015). Collection method: clinical testing. Allele origin: germline.
Comment: This sequence change replaces aspartic acid with glycine at codon 362 of the BBS12 protein (p.Asp362Gly). The aspartic acid residue is highly conserved and there is a moderate physicochemical difference between aspartic acid and glycine. This variant is not present in population databases (ExAC no frequency). This variant has not been reported in the literature in individuals with BBS12-related conditions. Algorithms developed to predict the effect of missense changes on protein structure and function are either unavailable or do not agree on the potential impact of this missense change (SIFT: "Deleterious"; PolyPhen-2: "Probably Damaging"; Align-GVGD: "Class C15"). In summary, the available evidence is currently insufficient to determine the role of this variant in disease. Therefore, it has been classified as a Variant of Uncertain Significance.